The following is an entry in ClinVar:

ClinVar aggregate classification (germline): Likely pathogenic (0 of 4 stars; one submission).

Conditions:
Neurodevelopmental disorder with regression, abnormal movements, loss of speech, and seizures. Identifiers: Orphanet 597623, MedGen C4748127, MONDO:0060759, OMIM 618088.

Submission:

Diagnostics Centre, Carl Von Ossietzky University Oldenburg
Classification: Likely pathogenic for Neurodevelopmental disorder with regression, abnormal movements, loss of speech, and seizures. Last evaluated: 2025-03-31. Review status: no assertion criteria provided. Collection method: clinical testing. Allele origin: germline. Affected: yes. Observed: 1 variant allele.
Comment: The variant IRF2BPL:c.312dup p.(Gln105Alafs*28) results from a duplication of the nucleotide at position c.312. This leads to a frameshift at protein position 105 and the formation of a premature stop codon after 28 amino acids. According to predictions, the altered gene product is not degraded by nonsense-mediated decay. However, more than 10% of the encoded protein is missing due to the alteration. This variant has not yet been described in ClinVar or any other scientific publication known to us. The variant is classified as very rare since it is absent in gnomAD v4.1.0. In summary, this variant is classified as Likely pathogenic.

NM_024496.4(IRF2BPL):c.312dup (p.Gln105fs)

Genes: IRF2BPL (interferon regulatory factor 2 binding protein like; minus strand), LOC107984638 (uncharacterized LOC107984638; plus strand). Cytogenetic location: 14q24.3.
Variant type: Duplication.
Coding change: c.312dup on transcript NM_024496.4 (MANE Select); coding-DNA position 312, one base duplicated (G; older notation c.312dupG).
Protein change: p.Gln105fs; shifts the reading frame from glutamine 105.
Molecular consequence: frameshift variant. On other transcripts: non-coding transcript variant (3).
Genome position (GRCh38, 1-based): chr14:77,027,481, C duplicated on the plus strand (G on the coding strand, the reverse complement: IRF2BPL is on the minus strand). VCF-style (leftmost placement, unchanged base first): chr14-77027480-G-GC. GRCh37 (hg19) VCF-style: chr14-77493823-G-GC.
Other names: short protein forms Q105fs.
Identifiers: ClinVar variation 4530642 (VCV004530642.1).